The following is an entry in ClinVar:

NM_000334.4(SCN4A):c.726C>T (p.Ala242=)

Gene: SCN4A (sodium voltage-gated channel alpha subunit 4; minus strand). Cytogenetic location: 17q23.3.
Variant type: single nucleotide variant.
Coding change: c.726C>T on transcript NM_000334.4 (MANE Select); coding-DNA position 726, C replaced by T.
Protein change: p.Ala242=; no amino-acid change (alanine 242 retained).
Molecular consequence: synonymous variant.
Genome position (GRCh38, 1-based): chr17:63,968,333, G>A on the plus strand (C>T on the coding strand, the complement: SCN4A is on the minus strand). VCF-style: chr17-63968333-G-A. GRCh37 (hg19) VCF-style: chr17-62045693-G-A.
Other names: p.Ala242=.
Identifiers: ClinVar variation 255862 (VCV000255862.21), dbSNP rs73326368, ClinGen allele CA8710052.

ClinVar aggregate classification (germline): Benign. Review status: criteria provided, multiple submitters, no conflicts (2 of 4 stars). 11 submissions from 7 submitters: Benign (11). Last evaluated 2026-02-02.

Conditions:
Hyperkalemic periodic paralysis. Also called: Familial hyperkalemic periodic paralysis; Gamstorp disease. Identifiers: Orphanet 682, MedGen C0238357, MONDO:0008224, OMIM 170500, HP:0007215.
Hypokalemic periodic paralysis, type 2 (HOKPP2). Identifiers: Orphanet 681, MedGen C2750061, MONDO:0013234, OMIM 613345.
Congenital myasthenic syndrome 16. Identifiers: Orphanet 590, MedGen C3280112, MONDO:0013620, OMIM 614198.
Paramyotonia congenita of Von Eulenburg. Also called: Paramyotonia Congenita; Eulenburg disease; Myotonia congenita intermittens; Von Eulenburg paramyotonia congenita; PARALYSIS PERIODICA PARAMYOTONICA. Identifiers: Orphanet 684, MedGen C0221055, MONDO:0008195, OMIM 168300. Disease mechanism: loss of function.
Potassium-aggravated myotonia. Also called: SODIUM CHANNEL MUSCLE DISEASE; MYOTONIA CONGENITA, ACETAZOLAMIDE-RESPONSIVE; MYOTONIA CONGENITA, ATYPICAL; Myotonia congenita, atypical, acetazolamide-responsive. Identifiers: Orphanet 612, Orphanet 99734, Orphanet 99735, Orphanet 99736, MedGen C2931826, MONDO:0018959, OMIM 608390.

Allele frequency attached by ClinVar (database versions not stated): gnomAD exomes 0.00416 and 0.00156; ExAC 0.00542; ESP Exome Variant Server 0.01786; TOPMed 0.01892; 1000 Genomes Project 0.01697; gnomAD 0.01791 and 0.01660; 1000 Genomes Project 30x 0.01780.
gnomAD v4.1: 4,885 of 1,603,712 alleles (0.3%); highest among the groups gnomAD compares: African/African-American, 5.8%; 126 homozygotes.

Submissions (11):

Labcorp Genetics (formerly Invitae), Labcorp
Classification: Benign for Hyperkalemic periodic paralysis. Last evaluated: 2026-02-02. Review status: criteria provided, single submitter. Criteria: Invitae Variant Classification Sherloc (09022015). Collection method: clinical testing. Allele origin: germline.

Mayo Clinic Laboratories, Mayo Clinic
Classification: Benign. Last evaluated: 2024-02-29. Review status: criteria provided, single submitter. Criteria: ACMG Guidelines, 2015. Collection method: clinical testing. Allele origin: germline. Observed: 16 variant alleles.
Comment: BA1, BS2, BP4, BP7

Illumina Laboratory Services, Illumina
Classification: Benign for Hypokalemic periodic paralysis, type 2. Last evaluated: 2018-01-13. Review status: criteria provided, single submitter. Criteria: ICSL Variant Classification Criteria 13 December 2019. Collection method: clinical testing. Allele origin: germline.
Comment: This variant was observed in the ICSL laboratory as part of a predisposition screen in an ostensibly healthy population. It had not been previously curated by ICSL or reported in the Human Gene Mutation Database (HGMD: prior to June 1st, 2018), and was therefore a candidate for classification through an automated scoring system. Utilizing variant allele frequency, disease prevalence and penetrance estimates, and inheritance mode, an automated score was calculated to assess if this variant is too frequent to cause the disease. Based on the score and internal cut-off values, a variant classified as benign is not then subjected to further curation. The score for this variant resulted in a classification of benign for this disease.

Illumina Laboratory Services, Illumina
Classification: Benign for Potassium-aggravated myotonia. Last evaluated: 2018-01-13. Review status: criteria provided, single submitter. Criteria: ICSL Variant Classification Criteria 13 December 2019. Collection method: clinical testing. Allele origin: germline.
Comment: the same text as in the submission from Illumina Laboratory Services, Illumina above.

Illumina Laboratory Services, Illumina
Classification: Benign for Paramyotonia congenita of Von Eulenburg. Last evaluated: 2018-01-13. Review status: criteria provided, single submitter. Criteria: ICSL Variant Classification Criteria 13 December 2019. Collection method: clinical testing. Allele origin: germline.
Comment: the same text as in the submission from Illumina Laboratory Services, Illumina above.

Illumina Laboratory Services, Illumina
Classification: Benign for Hyperkalemic periodic paralysis. Last evaluated: 2018-01-13. Review status: criteria provided, single submitter. Criteria: ICSL Variant Classification Criteria 13 December 2019. Collection method: clinical testing. Allele origin: germline.
Comment: the same text as in the submission from Illumina Laboratory Services, Illumina above.

Illumina Laboratory Services, Illumina
Classification: Benign for Congenital myasthenic syndrome 16. Last evaluated: 2018-01-13. Review status: criteria provided, single submitter. Criteria: ICSL Variant Classification Criteria 13 December 2019. Collection method: clinical testing. Allele origin: germline.
Comment: the same text as in the submission from Illumina Laboratory Services, Illumina above.

Athena Diagnostics
Classification: Benign. Last evaluated: 2017-09-26. Review status: criteria provided, single submitter. Criteria: Athena Diagnostics Criteria. Collection method: clinical testing. Allele origin: germline.

GeneDx
Classification: Benign. Last evaluated: 2016-05-04. Review status: criteria provided, single submitter. Criteria: GeneDx Variant Classification (06012015). Collection method: clinical testing. Allele origin: germline. Affected: yes.
Comment: This variant is considered likely benign or benign based on one or more of the following criteria: it is a conservative change, it occurs at a poorly conserved position in the protein, it is predicted to be benign by multiple in silico algorithms, and/or has population frequency not consistent with disease.

Breakthrough Genomics
Classification: Benign. Review status: criteria provided, single submitter. Criteria: ACMG Guidelines, 2015. Collection method: not provided. Allele origin: germline. Inheritance: Autosomal recessive inheritance. Affected: yes.

PreventionGenetics, part of Exact Sciences
Classification: Benign. Review status: criteria provided, single submitter. Criteria: ACMG Guidelines, 2015. Collection method: clinical testing. Allele origin: germline.